The following is an entry in ClinVar:

ClinVar aggregate classification (germline): Conflicting classifications of pathogenicity. Review status: criteria provided, conflicting classifications (1 of 4 stars). 11 submissions from 11 submitters: Uncertain significance (5); Likely benign (2). 4 of the submissions do not count toward it. Last evaluated 2026-01-31.

Conditions:
SMPD1-related disorder. Also called: SMPD1-related condition.
Niemann-Pick disease, type A. Also called: Infantile Neurovisceral ASMD (Niemann-Pick Disease Type A; NPD-A); SPHINGOMYELIN LIPIDOSIS; SPHINGOMYELINASE DEFICIENCY. Identifiers: Orphanet 77292, MedGen C0268242, MONDO:0009756, OMIM 257200. Disease mechanism: loss of function.
Niemann-Pick disease, type B. Also called: Chronic Visceral ASMD (Niemann-Pick Disease Type B; NPD-B). Identifiers: Orphanet 77293, MedGen C0268243, MONDO:0011871, OMIM 607616. Disease mechanism: loss of function.
Sphingomyelin/cholesterol lipidosis. Also called: Niemann-Pick disease. Identifiers: MedGen C0028064, MONDO:0001982.

Allele frequency attached by ClinVar (database versions not stated): 1000 Genomes Project 0.00060; gnomAD 0.00060 and 0.00063; 1000 Genomes Project 30x 0.00062; TOPMed 0.00064; ESP Exome Variant Server 0.00070.

Submissions (11):

Labcorp Genetics (formerly Invitae), Labcorp
Classification: Likely benign for Niemann-Pick disease, type B; Niemann-Pick disease, type A. Last evaluated: 2026-01-31. Review status: criteria provided, single submitter. Criteria: Invitae Variant Classification Sherloc (09022015). Collection method: clinical testing. Allele origin: germline.

GeneDx
Classification: Uncertain significance. Last evaluated: 2025-12-08. Review status: criteria provided, single submitter. Criteria: GeneDx Variant Classification Process June 2021. Collection method: clinical testing. Allele origin: germline.
Comment: Identified in the heterozygous state in a patient with intellectual disability, short stature, microcephaly, and dysmorphic features who has other variants that may explain the phenotype (PMID: 28475290); Identified in the heterozygous state in a patient with a suspected lysosomal storage disease; however, a second variant was not reported (PMID: 24767253); In silico analysis indicates that this missense variant does not alter protein structure/function; This variant is associated with the following publications: (PMID: 24767253, 28475290)

PreventionGenetics, part of Exact Sciences
Classification: Likely benign for SMPD1-related condition. Last evaluated: 2025-11-25. Review status: criteria provided, single submitter. Criteria: ACMG Guidelines, 2015. Collection method: clinical testing. Allele origin: germline.
Comment: This variant is classified as likely benign based on ACMG/AMP sequence variant interpretation guidelines (Richards et al. 2015 PMID: 25741868, with internal and published modifications).

Department of Pathology and Laboratory Medicine, Sinai Health System
Classification: Uncertain significance for Niemann-Pick disease, type A; Niemann-Pick disease, type B. Last evaluated: 2022-10-10. Review status: criteria provided, single submitter. Criteria: ACMG Guidelines, 2015. Collection method: research. Allele origin: germline.

Baylor Genetics
Classification: Uncertain significance for Niemann-Pick disease, type A. Last evaluated: 2020-08-27. Review status: criteria provided, single submitter. Criteria: ACMG Guidelines, 2015. Collection method: clinical testing. Allele origin: unknown. Affected: yes.
Comment: This variant was determined to be of uncertain significance according to ACMG Guidelines, 2015 [PMID:25741868].

Eurofins Ntd Llc (ga)
Classification: Uncertain significance. Last evaluated: 2017-12-21. Review status: criteria provided, single submitter. Criteria: EGL Classification Definitions 2015. Collection method: clinical testing. Allele origin: germline. Observed: 2 variant alleles, 2 heterozygotes.

Illumina Laboratory Services, Illumina
Classification: Uncertain significance for Niemann-Pick disease, type A. Last evaluated: 2017-04-27. Review status: criteria provided, single submitter. Criteria: ICSL Variant Classification Criteria 13 December 2019. Collection method: clinical testing. Allele origin: germline.
Comment: This variant was observed as part of a predisposition screen in an ostensibly healthy population. A literature search was performed for the gene, cDNA change, and amino acid change (where applicable). Publications were found based on this search. However, the evidence from the literature, in combination with allele frequency data from public databases where available, was not sufficient to rule this variant in or out of causing disease. Therefore, this variant is classified as a variant of unknown significance.

Counsyl
Classification: Uncertain significance for Niemann-Pick disease, type A. Last evaluated: 2018-06-01. Review status: no assertion criteria provided. Collection method: clinical testing. Allele origin: unknown. Not counted in ClinVar's aggregate classification.

Natera, Inc.
Classification: Uncertain significance for Acid sphingomyelinase deficiency. Last evaluated: 2017-05-05. Review status: no assertion criteria provided. Collection method: clinical testing. Allele origin: germline. Not counted in ClinVar's aggregate classification.

Clinical Genetics DNA and cytogenetics Diagnostics Lab, Erasmus MC, Erasmus Medical Center
Classification: Likely benign. Review status: no assertion criteria provided. Collection method: clinical testing. Allele origin: germline. Affected: yes. Study: VKGL Data-share Consensus. Not counted in ClinVar's aggregate classification.

Diagnostic Laboratory, Department of Genetics, University Medical Center Groningen
Classification: Likely benign. Review status: no assertion criteria provided. Collection method: clinical testing. Allele origin: germline. Affected: yes. Study: VKGL Data-share Consensus. Not counted in ClinVar's aggregate classification.

Literature cited by the submitters: PubMed 24767253 (cited by Illumina Laboratory Services, Illumina and Counsyl); PubMed 28475290 (cited by Counsyl).

NM_000543.5(SMPD1):c.8G>A (p.Arg3His)

Genes: SMPD1 (sphingomyelin phosphodiesterase 1; plus strand), LOC130005193 (ATAC-STARR-seq lymphoblastoid silent region 3099; plus strand). Cytogenetic location: 11p15.4.
Variant type: single nucleotide variant.
Coding change: c.8G>A on transcript NM_000543.5 (MANE Select); coding-DNA position 8, G replaced by A.
Protein change: p.Arg3His; replaces arginine 3 with histidine.
Molecular consequence: missense variant. On other transcripts: 5 prime UTR variant (1), non-coding transcript variant (2).
Genome position (GRCh38, 1-based): chr11:6,390,606, G>A. VCF-style: chr11-6390606-G-A. GRCh37 (hg19) VCF-style: chr11-6411836-G-A.
Other names: c.8G>A, p.Arg3His (NM_001007593.3, NM_001318087.2, NM_001365135.2); c.-954G>A (NM_001318088.2); short protein forms R3H.
Identifiers: ClinVar variation 281886 (VCV000281886.30), dbSNP rs199836262, ClinGen allele CA5852452.
Genomic context (GRCh38, chr11:6,390,606, plus strand): 5'-CCAGGCCGGGGGGGACGGGACAGACGAACCAGCCCCGTGTAGGAAGCGCGACAATGCCCC[G>A]CTACGGAGCGTCACTCCGCCAGAGCTGCCCCAGGTCCGGCCGGGAGCAGGGACAAGACGG-3'
Protein context (NP_000534.3, residues 1-13): MP[Arg3His]YGASLRQSCP